The following is an entry in ClinVar:

NM_006904.7(PRKDC):c.5589del (p.Phe1863fs)

Gene: PRKDC (protein kinase, DNA-activated, catalytic subunit; minus strand). Cytogenetic location: 8q11.21.
Variant type: Deletion.
Coding change: c.5589del on transcript NM_006904.7 (MANE Select); coding-DNA position 5589, one base deleted (T; older notation c.5589delT).
Protein change: p.Phe1863fs; shifts the reading frame from phenylalanine 1863.
Molecular consequence: frameshift variant.
Genome position (GRCh38, 1-based): chr8:47,863,560, A deleted on the plus strand (T on the coding strand, the reverse complement: PRKDC is on the minus strand); the first of 3 consecutive A bases (chr8:47,863,560-47,863,562); deleting any one gives the same sequence. VCF-style (leftmost placement, unchanged base first): chr8-47863559-CA-C. GRCh37 (hg19) VCF-style: chr8-48776120-CA-C.
Other names: c.5589del, p.Phe1863fs (NM_001081640.2); short protein forms F1863fs.
Identifiers: ClinVar variation 4813774 (VCV004813774.1).
Genomic context (GRCh38, chr8:47,863,559, plus strand): 5'-GGCGAGAATACATCACGTCTAGAATCTTATAGTAGCCCATCTTCTTGGTGATTTGAGTAT[CA>C]AAGGTAGATTCATTTAGCTTCAAAAAGGTAAAAAATAATTATCTTTGGTCTTATTAAACA-3'

ClinVar aggregate classification (germline): Likely pathogenic (1 of 4 stars; one submission).

Conditions:
Severe combined immunodeficiency due to DNA-PKcs deficiency. Also called: IMMUNODEFICIENCY 26 WITH NEUROLOGIC ABNORMALITIES; Immunodeficiency 26 with or without neurologic abnormalities. Identifiers: Orphanet 317425, MedGen C4014833, MONDO:0014423, OMIM 615966.

Submission:

Variantyx, Inc.
Classification: Likely pathogenic for Severe combined immunodeficiency due to DNA-PKcs deficiency. Last evaluated: 2025-08-24. Review status: criteria provided, single submitter. Criteria: Variantyx Assertion Criteria 2022. Collection method: clinical testing. Allele origin: germline. Inheritance: Autosomal recessive inheritance.
Comment: This is a frameshift variant in the PRKDC gene (OMIM: 600899). Pathogenic variants in this gene have been associated with autosomal recessive Immunodeficiency 26, with or without neurologic abnormalities. This variant introduces a premature termination codon in exon 42 out of 86 and is expected to result in loss of function, which is a known disease mechanism for PRKDC in this disorder (PMID: 23722905) (PVS1). This variant is absent from control populations (PM2) and has not been reported in individuals with PRKDC-related disorders in the databases available for review. Based on the current evidence, this variant is classified as likely pathogenic for autosomal recessive Immunodeficiency 26, with or without neurologic abnormalities.

Literature cited by the submitters: PubMed 23722905.